The following is an entry in ClinVar:

ClinVar aggregate classification (germline): Likely benign (1 of 4 stars; one submission).

Conditions:
Anophthalmia-microphthalmia syndrome. Also called: Anophthalmia/Microphthalmia; Anophthalmia - microphthalmia. Identifiers: Orphanet 98555, MedGen C5680330, MONDO:0020147.

Allele frequency attached by ClinVar (database versions not stated): gnomAD 0.00091 and 0.00111; TOPMed 0.00241; 1000 Genomes Project 30x 0.00468; 1000 Genomes Project 0.00539.
gnomAD v4.1: 975 of 702,634 alleles (0.14%); highest among the groups gnomAD compares: East Asian, 1.8%; 11 homozygotes.

Submission:

Illumina Laboratory Services, Illumina
Classification: Likely benign for Anophthalmia-microphthalmia syndrome. Last evaluated: 2018-01-13. Review status: criteria provided, single submitter. Criteria: ICSL Variant Classification Criteria 13 December 2019. Collection method: clinical testing. Allele origin: germline.
Comment: This variant was observed in the ICSL laboratory as part of a predisposition screen in an ostensibly healthy population. It had not been previously curated by ICSL or reported in the Human Gene Mutation Database (HGMD: prior to June 1st, 2018), and was therefore a candidate for classification through an automated scoring system. Utilizing variant allele frequency, disease prevalence and penetrance estimates, and inheritance mode, an automated score was calculated to assess if this variant is too frequent to cause the disease. Based on the score and internal cut-off values, a variant classified as likely benign is not then subjected to further curation. The score for this variant resulted in a classification of likely benign for this disease.

NM_007374.3(SIX6):c.-149C>T

Genes: SIX6 (SIX homeobox 6; plus strand), C14orf39 (chromosome 14 open reading frame 39; minus strand). Cytogenetic location: 14q23.1.
Variant type: single nucleotide variant.
Coding change: c.-149C>T on transcript NM_007374.3 (MANE Select); 149 bases upstream of the start codon, C replaced by T.
Molecular consequence: 5 prime UTR variant.
Genome position (GRCh38, 1-based): chr14:60,509,250, C>T. VCF-style: chr14-60509250-C-T. GRCh37 (hg19) VCF-style: chr14-60975968-C-T.
Identifiers: ClinVar variation 313427 (VCV000313427.5), dbSNP rs538661695, ClinGen allele CA10634990.